The following is an entry in ClinVar:

NM_130837.3(OPA1):c.1293C>T (p.Thr431=)

Gene: OPA1 (OPA1 mitochondrial dynamin like GTPase; plus strand). Cytogenetic location: 3q29.
Variant type: single nucleotide variant.
Coding change: c.1293C>T on transcript NM_130837.3 (MANE Select); coding-DNA position 1293, C replaced by T.
Protein change: p.Thr431=; no amino-acid change (threonine 431 retained).
Molecular consequence: synonymous variant.
Genome position (GRCh38, 1-based): chr3:193,643,037, C>T. VCF-style: chr3-193643037-C-T. GRCh37 (hg19) VCF-style: chr3-193360826-C-T.
Other names: c.759C>T, p.Thr253= (NM_001354663.2); c.756C>T, p.Thr252= (NM_001354664.2); c.1128C>T, p.Thr376= (NM_015560.3); c.1020C>T, p.Thr340= (NM_130831.3); c.1074C>T, p.Thr358= (NM_130832.3); c.1131C>T, p.Thr377= (NM_130833.3); c.1182C>T, p.Thr394= (NM_130834.3); c.1185C>T, p.Thr395= (NM_130835.3); and 2 more.
Identifiers: ClinVar variation 994699 (VCV000994699.14), dbSNP rs111488647, ClinGen allele CA2759326.

ClinVar aggregate classification (germline): Benign/Likely benign. Review status: criteria provided, multiple submitters, no conflicts (2 of 4 stars). 5 submissions from 5 submitters: Benign (1); Likely benign (3). 1 of the submissions does not count toward it. Last evaluated 2026-01-05.

Conditions:
OPA1-related disorder. Also called: OPA1-related condition; OPA1-related disorders.

Allele frequency attached by ClinVar (database versions not stated): gnomAD exomes 0.00003 and 0.00008; ExAC 0.00008; gnomAD 0.00014 and 0.00016; ESP Exome Variant Server 0.00015; TOPMed 0.00017.
gnomAD v4.1: 60 of 1,612,408 alleles (0.0037%); highest among the groups gnomAD compares: African/African-American, 0.044%; no homozygotes.

Submissions (5):

Labcorp Genetics (formerly Invitae), Labcorp
Classification: Likely benign. Last evaluated: 2026-01-05. Review status: criteria provided, single submitter. Criteria: Invitae Variant Classification Sherloc (09022015). Collection method: clinical testing. Allele origin: germline.

Athena Diagnostics
Classification: Benign. Last evaluated: 2024-07-05. Review status: criteria provided, single submitter. Criteria: Athena Diagnostics Criteria. Collection method: clinical testing. Allele origin: unknown.

Blueprint Genetics
Classification: Likely benign. Last evaluated: 2022-11-18. Review status: criteria provided, single submitter. Criteria: ACMG Guidelines, 2015. Collection method: clinical testing. Allele origin: germline.

GeneDx
Classification: Likely benign. Last evaluated: 2020-03-19. Review status: criteria provided, single submitter. Criteria: GeneDx Variant Classification Process June 2021. Collection method: clinical testing. Allele origin: germline. Affected: yes.

PreventionGenetics, part of Exact Sciences
Classification: Likely benign for OPA1-related condition. Last evaluated: 2020-05-22. Review status: no assertion criteria provided. Collection method: clinical testing. Allele origin: germline. Not counted in ClinVar's aggregate classification.
Comment: This variant is classified as likely benign based on ACMG/AMP sequence variant interpretation guidelines (Richards et al. 2015 PMID: 25741868, with internal and published modifications).